The following is an entry in ClinVar:

NM_001903.5(CTNNA1):c.678G>A (p.Gln226=)

Gene: CTNNA1 (catenin alpha 1; plus strand). Cytogenetic location: 5q31.2.
Variant type: single nucleotide variant.
Coding change: c.678G>A on transcript NM_001903.5 (MANE Select); coding-DNA position 678, G replaced by A.
Protein change: p.Gln226=; no amino-acid change (glutamine 226 retained).
Molecular consequence: synonymous variant.
Genome position (GRCh38, 1-based): chr5:138,824,619, G>A. VCF-style: chr5-138824619-G-A. GRCh37 (hg19) VCF-style: chr5-138160308-G-A.
Other names: c.678G>A (NM_001903.2); c.678G>A, p.Gln226= (NM_001290307.3, NM_001323982.2, NM_001323983.1 and 3 more transcripts); c.369G>A, p.Gln123= (NM_001290309.3); c.309G>A, p.Gln103= (NM_001290310.3).
Identifiers: ClinVar variation 1399538 (VCV001399538.10), dbSNP rs748580870, ClinGen allele CA3431526.

ClinVar aggregate classification (germline): Benign/Likely benign. Review status: criteria provided, multiple submitters, no conflicts (2 of 4 stars). 3 submissions from 3 submitters: Benign (1); Likely benign (2). Last evaluated 2025-09-26.

Conditions:
Hereditary cancer-predisposing syndrome. Also called: Neoplastic Syndromes, Hereditary; Hereditary neoplastic syndrome; Hereditary Cancer Syndrome; Tumor predisposition. Identifiers: Orphanet 140162, MedGen C0027672, MeSH D009386, MONDO:0015356.
Hereditary diffuse gastric adenocarcinoma (HDGC). Also called: DIFFUSE GASTRIC AND LOBULAR BREAST CANCER SYNDROME. Identifiers: Orphanet 26106, MedGen C1708349, MONDO:0007648, OMIM 137215.

Allele frequency attached by ClinVar (database versions not stated): gnomAD exomes below 0.00001 and 0.00001; ExAC 0.00001.
gnomAD v4.1: 3 of 1,614,174 alleles (0.00019%); highest among the groups gnomAD compares: South Asian, 0.0022%; no homozygotes.

Submissions (3):

Ambry Genetics
Classification: Likely benign for Hereditary cancer-predisposing syndrome. Last evaluated: 2025-09-26. Review status: criteria provided, single submitter. Criteria: Ambry Variant Classification Scheme 2023. Collection method: clinical testing. Allele origin: germline.

Myriad Genetics, Inc.
Classification: Benign for Hereditary diffuse gastric adenocarcinoma. Last evaluated: 2024-10-10. Review status: criteria provided, single submitter. Criteria: Myriad Autosomal Dominant, Autosomal Recessive and X-Linked Classification Criteria (2023). Collection method: clinical testing. Allele origin: unknown.
Comment: This variant is considered benign. This variant is a silent/synonymous amino acid change and it is not expected to impact splicing.

Labcorp Genetics (formerly Invitae), Labcorp
Classification: Likely benign. Last evaluated: 2023-05-08. Review status: criteria provided, single submitter. Criteria: Invitae Variant Classification Sherloc (09022015). Collection method: clinical testing. Allele origin: germline.